The following is an entry in ClinVar:

ClinVar aggregate classification (germline): Likely benign. Review status: criteria provided, multiple submitters, no conflicts (2 of 4 stars). 2 submissions from 2 submitters: Likely benign (2). Last evaluated 2026-01-14.

Conditions:
RFT1-congenital disorder of glycosylation (CDG1N). Also called: Congenital disorder of glycosylation type In; CDG In; RFT1-CDG. Identifiers: Orphanet 244310, MedGen C2677590, MONDO:0012783, OMIM 612015.

Allele frequency attached by ClinVar (database versions not stated): ExAC 0.00011; gnomAD exomes 0.00011 and 0.00016; TOPMed 0.00014; gnomAD 0.00015 and 0.00016; ESP Exome Variant Server 0.00023.
gnomAD v4.1: 251 of 1,599,940 alleles (0.016%); highest among the groups gnomAD compares: Non-Finnish European, 0.02%; no homozygotes.

Submissions (2):

Labcorp Genetics (formerly Invitae), Labcorp
Classification: Likely benign for RFT1-congenital disorder of glycosylation. Last evaluated: 2026-01-14. Review status: criteria provided, single submitter. Criteria: Invitae Variant Classification Sherloc (09022015). Collection method: clinical testing. Allele origin: germline.

GeneDx
Classification: Likely benign. Last evaluated: 2017-05-22. Review status: criteria provided, single submitter. Criteria: GeneDx Variant Classification (06012015). Collection method: clinical testing. Allele origin: germline. Affected: yes.
Comment: This variant is considered likely benign or benign based on one or more of the following criteria: it is a conservative change, it occurs at a poorly conserved position in the protein, it is predicted to be benign by multiple in silico algorithms, and/or has population frequency not consistent with disease.

NM_052859.4(RFT1):c.149+16C>T

Gene: RFT1 (RFT1 glycolipid translocator homolog; minus strand). Cytogenetic location: 3p21.1.
Variant type: single nucleotide variant.
Coding change: c.149+16C>T on transcript NM_052859.4 (MANE Select); 16 bases into the intron after coding-DNA position 149, C replaced by T.
Molecular consequence: intron variant.
Genome position (GRCh38, 1-based): chr3:53,125,893, G>A on the plus strand (C>T on the coding strand, the complement: RFT1 is on the minus strand). VCF-style: chr3-53125893-G-A. GRCh37 (hg19) VCF-style: chr3-53159909-G-A.
Identifiers: ClinVar variation 509555 (VCV000509555.8), dbSNP rs201161797, ClinGen allele CA2451540.